The following is an entry in ClinVar:

ClinVar aggregate classification (germline): Conflicting classifications of pathogenicity. Review status: criteria provided, conflicting classifications (1 of 4 stars). 6 submissions from 6 submitters: Uncertain significance (3); Likely benign (1). 2 of the submissions do not count toward it. Last evaluated 2026-01-24.

Conditions:
Atrioventricular septal defect 4 (AVSD4). Identifiers: MedGen C3280781, MONDO:0013747, OMIM 614430.
Cardiovascular phenotype. Identifiers: MedGen CN230736.

Allele frequency attached by ClinVar (database versions not stated): gnomAD 0.00004 and 0.00006; gnomAD exomes 0.00005; TOPMed 0.00005; ExAC 0.00006; 1000 Genomes Project 0.00060; 1000 Genomes Project 30x 0.00078.
gnomAD v4.1: 84 of 1,613,622 alleles (0.0052%); highest among the groups gnomAD compares: Admixed American, 0.0083%; no homozygotes.

Submissions (6):

Labcorp Genetics (formerly Invitae), Labcorp
Classification: Uncertain significance for Atrioventricular septal defect 4. Last evaluated: 2026-01-24. Review status: criteria provided, single submitter. Criteria: Invitae Variant Classification Sherloc (09022015). Collection method: clinical testing. Allele origin: germline.
Comment: This sequence change replaces alanine, which is neutral and non-polar, with valine, which is neutral and non-polar, at codon 286 of the GATA4 protein (p.Ala286Val). This variant is present in population databases (rs116430078, gnomAD 0.007%). This variant has not been reported in the literature in individuals affected with GATA4-related conditions. ClinVar contains an entry for this variant (Variation ID: 651064). Invitae Evidence Modeling of protein sequence and biophysical properties (such as structural, functional, and spatial information, amino acid conservation, physicochemical variation, residue mobility, and thermodynamic stability) has been performed for this missense variant. However, the output from this modeling did not meet the statistical confidence thresholds required to predict the impact of this variant on GATA4 protein function. In summary, the available evidence is currently insufficient to determine the role of this variant in disease. Therefore, it has been classified as a Variant of Uncertain Significance.

Ambry Genetics
Classification: Uncertain significance for Cardiovascular phenotype. Last evaluated: 2025-05-18. Review status: criteria provided, single submitter. Criteria: Ambry Variant Classification Scheme 2023. Collection method: clinical testing. Allele origin: germline.

GeneDx
Classification: Uncertain significance. Last evaluated: 2024-03-19. Review status: criteria provided, single submitter. Criteria: GeneDx Variant Classification Process June 2021. Collection method: clinical testing. Allele origin: germline. Affected: yes.
Comment: Has not been previously published as pathogenic or benign to our knowledge; In silico analysis supports that this missense variant has a deleterious effect on protein structure/function

Blueprint Genetics
Classification: Likely benign. Last evaluated: 2023-07-27. Review status: criteria provided, single submitter. Criteria: ACMG Guidelines, 2015. Collection method: clinical testing. Allele origin: germline.

Clinical Genetics DNA and cytogenetics Diagnostics Lab, Erasmus MC, Erasmus Medical Center
Classification: Uncertain significance. Review status: no assertion criteria provided. Collection method: clinical testing. Allele origin: germline. Affected: yes. Study: VKGL Data-share Consensus. Not counted in ClinVar's aggregate classification.

Genome Diagnostics Laboratory, University Medical Center Utrecht
Classification: Uncertain significance. Review status: no assertion criteria provided. Collection method: clinical testing. Allele origin: germline. Affected: yes. Study: VKGL Data-share Consensus. Not counted in ClinVar's aggregate classification.

NM_001308093.3(GATA4):c.860C>T (p.Ala287Val)

Gene: GATA4 (GATA binding protein 4). Cytogenetic location: 8p23.1.
Variant type: single nucleotide variant.
Coding change: c.860C>T on transcript NM_001308093.3 (MANE Select); coding-DNA position 860, C replaced by T.
Protein change: p.Ala287Val; replaces alanine 287 with valine.
Molecular consequence: missense variant. On other transcripts: intron variant (1).
Genome position (GRCh38, 1-based): chr8:11,750,184, C>T. VCF-style: chr8-11750184-C-T. GRCh37 (hg19) VCF-style: chr8-11607693-C-T.
Other names: c.239C>T, p.Ala80Val (NM_001308094.2, NM_001374273.1); c.857C>T, p.Ala286Val (NM_002052.5); c.165+1099C>T (NM_001374274.1); short protein forms A80V, A286V, A287V.
Identifiers: ClinVar variation 651064 (VCV000651064.17), dbSNP rs116430078, ClinGen allele CA4630722.